The following is an entry in ClinVar:

ClinVar aggregate classification (germline): Uncertain significance (1 of 4 stars; one submission).

Conditions:
Tuberous sclerosis 1 (TSC1). Identifiers: Orphanet 805, MedGen C1854465, MONDO:0008612, OMIM 191100.

Submission:

Labcorp Genetics (formerly Invitae), Labcorp
Classification: Uncertain significance for Tuberous sclerosis 1. Last evaluated: 2021-01-14. Review status: criteria provided, single submitter. Criteria: Invitae Variant Classification Sherloc (09022015). Collection method: clinical testing. Allele origin: germline.
Comment: In summary, the available evidence is currently insufficient to determine the role of this variant in disease. Therefore, it has been classified as a Variant of Uncertain Significance. This sequence change replaces aspartic acid with glycine at codon 785 of the TSC1 protein (p.Asp785Gly). The aspartic acid residue is moderately conserved and there is a moderate physicochemical difference between aspartic acid and glycine. This variant is not present in population databases (ExAC no frequency). This variant has not been reported in the literature in individuals with TSC1-related conditions. Algorithms developed to predict the effect of missense changes on protein structure and function are either unavailable or do not agree on the potential impact of this missense change (SIFT: "Deleterious"; PolyPhen-2: "Benign"; Align-GVGD: "Class C0").

NM_000368.5(TSC1):c.2354A>G (p.Asp785Gly)

Gene: TSC1 (TSC complex subunit 1; minus strand). Cytogenetic location: 9q34.13.
Variant type: single nucleotide variant.
Coding change: c.2354A>G on transcript NM_000368.5 (MANE Select); coding-DNA position 2354, A replaced by G.
Protein change: p.Asp785Gly; replaces aspartic acid 785 with glycine.
Molecular consequence: missense variant.
Genome position (GRCh38, 1-based): chr9:132,902,642, T>C on the plus strand (A>G on the coding strand, the complement: TSC1 is on the minus strand). VCF-style: chr9-132902642-T-C. GRCh37 (hg19) VCF-style: chr9-135778029-T-C.
Other names: c.2351A>G, p.Asp784Gly (NM_001162426.2); c.2201A>G, p.Asp734Gly (NM_001162427.2); c.1991A>G, p.Asp664Gly (NM_001362177.2); short protein forms D785G, D664G, D784G, D734G.
Identifiers: ClinVar variation 1502398 (VCV001502398.8), dbSNP rs2131730508, ClinGen allele CA375359308.